The following is an entry in ClinVar:

NM_012203.2(GRHPR):c.136G>T (p.Glu46Ter)

Gene: GRHPR (glyoxylate and hydroxypyruvate reductase; plus strand). Cytogenetic location: 9p13.2.
Variant type: single nucleotide variant.
Coding change: c.136G>T on transcript NM_012203.2 (MANE Select); coding-DNA position 136, G replaced by T.
Protein change: p.Glu46Ter; replaces glutamic acid 46 with a stop codon.
Molecular consequence: nonsense.
Genome position (GRCh38, 1-based): chr9:37,424,897, G>T. VCF-style: chr9-37424897-G-T. GRCh37 (hg19) VCF-style: chr9-37424894-G-T.
Other names: short protein forms E46*.
Identifiers: ClinVar variation 984352 (VCV000984352.3), dbSNP rs202022170, ClinGen allele CA373441468.

ClinVar aggregate classification (germline): Likely pathogenic (1 of 4 stars; one submission).

Conditions:
Primary hyperoxaluria, type II (HP2). Also called: GLYCERIC ACIDURIA; GLYOXYLATE REDUCTASE/HYDROXYPYRUVATE REDUCTASE DEFICIENCY; OXALOSIS II; Primary hyperoxaluria type 2; D-GLYCERATE DEHYDROGENASE DEFICIENCY. Identifiers: Orphanet 416, Orphanet 93599, MedGen C0268165, MONDO:0009824, OMIM 260000. Disease mechanism: loss of function.

Submission:

Myriad Genetics, Inc.
Classification: Likely pathogenic for Primary hyperoxaluria, type II. Last evaluated: 2019-12-22. Review status: criteria provided, single submitter. Criteria: Myriad Women's Health Autosomal Recessive and X-Linked Classification Criteria (2019). Collection method: clinical testing. Allele origin: unknown.
Comment: NM_012203.1(GRHPR):c.136G>T(E46*) is expected to be pathogenic in the context of primary hyperoxaluria type 2. This variant is predicted to lead to an abnormal or absent protein product due to the creation of a premature termination codon in GRHPR, a gene where loss-of-function variants are known to be pathogenic. Please note: this variant was assessed in the context of healthy population screening.